The following is an entry in ClinVar:

NM_000322.5(PRPH2):c.508G>A (p.Gly170Ser)

Gene: PRPH2 (peripherin 2; minus strand). Cytogenetic location: 6p21.1.
Variant type: single nucleotide variant.
Coding change: c.508G>A on transcript NM_000322.5 (MANE Select); coding-DNA position 508, G replaced by A.
Protein change: p.Gly170Ser; replaces glycine 170 with serine.
Molecular consequence: missense variant.
Genome position (GRCh38, 1-based): chr6:42,721,827, C>T on the plus strand (G>A on the coding strand, the complement: PRPH2 is on the minus strand). VCF-style: chr6-42721827-C-T. GRCh37 (hg19) VCF-style: chr6-42689565-C-T.
Other names: short protein forms G170S.
Identifiers: ClinVar variation 98674 (VCV000098674.8), dbSNP rs61755791, ClinGen allele CA226244.

ClinVar aggregate classification (germline): Conflicting classifications of pathogenicity. Review status: criteria provided, conflicting classifications (1 of 4 stars). 5 submissions from 5 submitters: Likely pathogenic (1); Uncertain significance (3). 1 of the submissions does not count toward it. Last evaluated 2026-02-23.

Conditions:
PRPH2-related disorder. Also called: PRPH2-related condition; PRPH2-related disorders. Identifiers: MedGen CN239395.
Retinal dystrophy. Also called: Inherited retinal dystrophy. Identifiers: Orphanet 71862, MedGen C0854723, MeSH D058499, MONDO:0019118, HP:0000556.

Allele frequency attached by ClinVar (database versions not stated): ExAC 0.00001; gnomAD 0.00001; TOPMed 0.00001.
gnomAD v4.1: 15 of 1,614,066 alleles (0.00093%); highest among the groups gnomAD compares: East Asian, 0.016%; no homozygotes.

Submissions (5):

PreventionGenetics, part of Exact Sciences
Classification: Likely pathogenic for PRPH2-related condition. Last evaluated: 2026-02-23. Review status: criteria provided, single submitter. Criteria: ACMG Guidelines, 2015. Collection method: clinical testing. Allele origin: germline.
Comment: The PRPH2 c.508G>A variant is predicted to result in the amino acid substitution p.Gly170Ser. This variant has been reported in the heterozygous state in individuals with PRPH2-related retinopathy (see for example: Kohl et al. 1998. PubMed ID: 9831753; Oishi et al. 2021. PubMed ID: 34828423; Supplementary table 1, Liu et al. 2024. PubMed ID: 39127396). At PreventionGenetics, this variant has been identified in several other patients with inherited retinal disease (internal data). This variant is located within a hotspot region (a.a. 141-240, also known as the D2 loop) for disease-causing variants (Reeves et al. 2020. PubMedID: 32531846). This variant is reported in 0.016% of alleles in individuals of East Asian descent in gnomAD. This variant is intepreted as likely pathogenic.

Labcorp Genetics (formerly Invitae), Labcorp
Classification: Uncertain significance for PRPH2-related disorder. Last evaluated: 2025-10-20. Review status: criteria provided, single submitter. Criteria: Invitae Variant Classification Sherloc (09022015). Collection method: clinical testing. Allele origin: germline.
Comment: This sequence change replaces glycine, which is neutral and non-polar, with serine, which is neutral and polar, at codon 170 of the PRPH2 protein (p.Gly170Ser). This variant is present in population databases (rs61755791, gnomAD 0.02%). This missense change has been observed in individuals with PRPH2-related conditions (PMID: 9831753, 34828423, 39127396). ClinVar contains an entry for this variant (Variation ID: 98674). Invitae Evidence Modeling of protein sequence and biophysical properties (such as structural, functional, and spatial information, amino acid conservation, physicochemical variation, residue mobility, and thermodynamic stability) has been performed for this missense variant. However, the output from this modeling did not meet the statistical confidence thresholds required to predict the impact of this variant on PRPH2 protein function. In summary, the available evidence is currently insufficient to determine the role of this variant in disease. Therefore, it has been classified as a Variant of Uncertain Significance.

Dept Of Ophthalmology, Nagoya University
Classification: Uncertain significance for Retinal dystrophy. Last evaluated: 2023-10-01. Review status: criteria provided, single submitter. Criteria: Submitter's publication. Collection method: research. Allele origin: germline. Affected: yes.

Blueprint Genetics
Classification: Uncertain significance. Last evaluated: 2022-04-14. Review status: criteria provided, single submitter. Criteria: ACMG Guidelines, 2015. Collection method: clinical testing. Allele origin: germline.

Retina International
No classification provided. Review status: no classification provided. Collection method: not provided. Allele origin: not provided. Not counted in ClinVar's aggregate classification.

Literature cited by the submitters: PubMed 9831753 (cited by Labcorp Genetics (formerly Invitae), Labcorp); PubMed 34828423 (cited by Labcorp Genetics (formerly Invitae), Labcorp); PubMed 39127396 (cited by Labcorp Genetics (formerly Invitae), Labcorp).